The following is an entry in ClinVar:

NM_024753.5(TTC21B):c.3536A>G (p.Gln1179Arg)

Gene: TTC21B (tetratricopeptide repeat domain 21B; minus strand). Cytogenetic location: 2q24.3.
Variant type: single nucleotide variant.
Coding change: c.3536A>G on transcript NM_024753.5 (MANE Select); coding-DNA position 3536, A replaced by G.
Protein change: p.Gln1179Arg; replaces glutamine 1179 with arginine.
Molecular consequence: missense variant.
Genome position (GRCh38, 1-based): chr2:165,883,942, T>C on the plus strand (A>G on the coding strand, the complement: TTC21B is on the minus strand). VCF-style: chr2-165883942-T-C. GRCh37 (hg19) VCF-style: chr2-166740452-T-C.
Other names: short protein forms Q1179R.
Identifiers: ClinVar variation 1351289 (VCV001351289.4), dbSNP rs745900529, ClinGen allele CA1941478.

ClinVar aggregate classification (germline): Uncertain significance (1 of 4 stars; one submission).

Conditions:
Nephronophthisis. Also called: Juvenile Nephronophthisis. Identifiers: Orphanet 655, MedGen C0687120, MONDO:0019005, HP:0000090.
Jeune thoracic dystrophy. Also called: Jeune syndrome; Infantile thoracic dystrophy; Thoracic pelvic phalangeal dystrophy; Jeune's syndrome; Chondroectodermal dysplasia-like syndrome; Short-rib thoracic dysplasia. Identifiers: Orphanet 474, MedGen C0265275, MONDO:0018770.

Allele frequency attached by ClinVar (database versions not stated): gnomAD exomes below 0.00001 and 0.00001; ExAC 0.00001.
gnomAD v4.1: 5 of 1,614,170 alleles (0.00031%); highest among the groups gnomAD compares: Non-Finnish European, 0.00042%; no homozygotes.

Submission:

Labcorp Genetics (formerly Invitae), Labcorp
Classification: Uncertain significance for Jeune thoracic dystrophy; Nephronophthisis. Last evaluated: 2022-03-27. Review status: criteria provided, single submitter. Criteria: Invitae Variant Classification Sherloc (09022015). Collection method: clinical testing. Allele origin: germline.
Comment: Algorithms developed to predict the effect of missense changes on protein structure and function are either unavailable or do not agree on the potential impact of this missense change (SIFT: "Tolerated"; PolyPhen-2: "Possibly Damaging"; Align-GVGD: "Class C0"). In summary, the available evidence is currently insufficient to determine the role of this variant in disease. Therefore, it has been classified as a Variant of Uncertain Significance. This variant has not been reported in the literature in individuals affected with TTC21B-related conditions. This variant is present in population databases (rs745900529, gnomAD 0.0009%). This sequence change replaces glutamine, which is neutral and polar, with arginine, which is basic and polar, at codon 1179 of the TTC21B protein (p.Gln1179Arg).